The following is an entry in ClinVar:

ClinVar aggregate classification (germline): Uncertain significance (1 of 4 stars; one submission).

Conditions:
Joubert syndrome. Also called: Familial aplasia of the vermis; CEREBELLOPARENCHYMAL DISORDER IV; JOUBERT-BOLTSHAUSER SYNDROME. Identifiers: Orphanet 475, MedGen C5979921, MONDO:0018772.

Allele frequency attached by ClinVar (database versions not stated): gnomAD 0.00001; gnomAD exomes 0.00001; TOPMed below 0.00001.
gnomAD v4.1: 8 of 1,526,076 alleles (0.00052%); highest among the groups gnomAD compares: Non-Finnish European, 0.00071%; no homozygotes.

Submission:

Labcorp Genetics (formerly Invitae), Labcorp
Classification: Uncertain significance for Joubert syndrome. Last evaluated: 2021-05-31. Review status: criteria provided, single submitter. Criteria: Invitae Variant Classification Sherloc (09022015). Collection method: clinical testing. Allele origin: germline.
Comment: This sequence change falls in intron 3 of the AHI1 gene. It does not directly change the encoded amino acid sequence of the AHI1 protein, but it affects a nucleotide within the consensus splice site of the intron. This variant is not present in population databases (ExAC no frequency). This variant has not been reported in the literature in individuals with AHI1-related conditions. Nucleotide substitutions within the consensus splice site are a relatively common cause of aberrant splicing (PMID: 17576681, 9536098). Algorithms developed to predict the effect of sequence changes on RNA splicing suggest that this variant may disrupt the consensus splice site, but this prediction has not been confirmed by published transcriptional studies. In summary, the available evidence is currently insufficient to determine the role of this variant in disease. Therefore, it has been classified as a Variant of Uncertain Significance.

Literature cited by the submitters: PubMed 17576681; PubMed 9536098.

NM_001134831.2(AHI1):c.10+5G>A

Gene: AHI1 (Abelson helper integration site 1; minus strand). Cytogenetic location: 6q23.3.
Variant type: single nucleotide variant.
Coding change: c.10+5G>A on transcript NM_001134831.2 (MANE Select); 5 bases into the intron after coding-DNA position 10, G replaced by A.
Molecular consequence: intron variant.
Genome position (GRCh38, 1-based): chr6:135,492,223, C>T on the plus strand (G>A on the coding strand, the complement: AHI1 is on the minus strand). VCF-style: chr6-135492223-C-T. GRCh37 (hg19) VCF-style: chr6-135813361-C-T.
Other names: c.10+5G>A (NM_001134830.2, NM_001350503.2, NM_017651.5 and 2 more transcripts).
Identifiers: ClinVar variation 1006383 (VCV001006383.4), dbSNP rs1222293284, ClinGen allele CA570554620.
Genomic context (GRCh38, chr6:135,492,223, plus strand): 5'-AAACCAAACTTAAAAGTAAATGTATAAAATATAAATTTTATACATAAATTTCATAGAAGT[C>T]TTACCTGTAGGCATCTCTCAGCTTTATGCAGAGGACTGAGAATGCAAAGCATTGACTCAA-3'